The following is an entry in ClinVar:

NM_080732.4(EGLN2):c.448A>G (p.Met150Val)

Genes: EGLN2 (egl-9 family hypoxia inducible factor 2; plus strand), RAB4B-EGLN2 (RAB4B-EGLN2 readthrough (NMD candidate); plus strand). Cytogenetic location: 19q13.2.
Variant type: single nucleotide variant.
Coding change: c.448A>G on transcript NM_080732.4 (MANE Select); coding-DNA position 448, A replaced by G.
Protein change: p.Met150Val; replaces methionine 150 with valine.
Molecular consequence: missense variant. On other transcripts: non-coding transcript variant (1).
Genome position (GRCh38, 1-based): chr19:40,801,020, A>G. VCF-style: chr19-40801020-A-G. GRCh37 (hg19) VCF-style: chr19-41306925-A-G.
Other names: c.448A>G, p.Met150Val (NM_053046.4); short protein forms M150V.
Identifiers: ClinVar variation 1740942 (VCV001740942.2), dbSNP rs202088727, ClinGen allele CA405955274.
Genomic context (GRCh38, chr19:40,801,020, plus strand): 5'-TCACCCAGCAAACGGCCCTGGGCCAGGCAAGAGAACCAGGAGGCAGAGCGGGAGGGTGGC[A>G]TGAGCTGCAGCTGCAGCAGTGGCAGTGGTGAGGCCAGTGCTGGGCTGATGGAGGAGGCGC-3'
Protein context (NP_542770.2, residues 140-160): ENQEAEREGG[Met150Val]SCSCSSGSGE

ClinVar aggregate classification (germline): Uncertain significance (1 of 4 stars; one submission).

Submission:

Ambry Genetics
Classification: Uncertain significance. Last evaluated: 2022-09-16. Review status: criteria provided, single submitter. Criteria: Ambry Variant Classification Scheme 2023. Collection method: clinical testing. Allele origin: germline.
Comment: The p.M150V variant (also known as c.448A>G), located in coding exon 1 of the EGLN2 gene, results from an A to G substitution at nucleotide position 448. The methionine at codon 150 is replaced by valine, an amino acid with highly similar properties. This amino acid position is conserved. In addition, this alteration is predicted to be tolerated by in silico analysis. Since supporting evidence is limited at this time, the clinical significance of this alteration remains unclear.